The following is an entry in ClinVar:

ClinVar aggregate classification (germline): Uncertain significance (1 of 4 stars; one submission).

Allele frequency attached by ClinVar (database versions not stated): gnomAD exomes below 0.00001.

Submission:

Labcorp Genetics (formerly Invitae), Labcorp
Classification: Uncertain significance. Last evaluated: 2024-10-23. Review status: criteria provided, single submitter. Criteria: Invitae Variant Classification Sherloc (09022015). Collection method: clinical testing. Allele origin: germline.
Comment: This sequence change replaces leucine, which is neutral and non-polar, with phenylalanine, which is neutral and non-polar, at codon 209 of the TTBK2 protein (p.Leu209Phe). This variant is not present in population databases (gnomAD no frequency). This variant has not been reported in the literature in individuals affected with TTBK2-related conditions. ClinVar contains an entry for this variant (Variation ID: 1978434). Invitae Evidence Modeling of protein sequence and biophysical properties (such as structural, functional, and spatial information, amino acid conservation, physicochemical variation, residue mobility, and thermodynamic stability) indicates that this missense variant is expected to disrupt TTBK2 protein function with a positive predictive value of 80%. In summary, the available evidence is currently insufficient to determine the role of this variant in disease. Therefore, it has been classified as a Variant of Uncertain Significance.

NM_173500.4(TTBK2):c.625C>T (p.Leu209Phe)

Gene: TTBK2 (tau tubulin kinase 2; minus strand). Cytogenetic location: 15q15.2.
Variant type: single nucleotide variant.
Coding change: c.625C>T on transcript NM_173500.4 (MANE Select); coding-DNA position 625, C replaced by T.
Protein change: p.Leu209Phe; replaces leucine 209 with phenylalanine.
Molecular consequence: missense variant.
Genome position (GRCh38, 1-based): chr15:42,811,759, G>A on the plus strand (C>T on the coding strand, the complement: TTBK2 is on the minus strand). VCF-style: chr15-42811759-G-A. GRCh37 (hg19) VCF-style: chr15-43103957-G-A.
Other names: short protein forms L209F.
Identifiers: ClinVar variation 1978434 (VCV001978434.4), dbSNP rs1595936604, ClinGen allele CA392045453.
Genomic context (GRCh38, chr15:42,811,759, plus strand): 5'-TTTTTCTCCAGGGCAGCTGACCAACCACAAACTCCACCAACATGTAGAATAAGGACCAAA[G>A]GTCATCATGTCTTCCCATTTCCTTCATAAACAAAACAGAATCCAGTCACATAACATTATT-3'
Protein context (NP_775771.3, residues 199-219): RNREMGRHDD[Leu209Phe]WSLFYMLVEF